The following is an entry in ClinVar:

ClinVar aggregate classification (germline): Uncertain significance (1 of 4 stars; one submission).

Conditions:
Inborn genetic diseases. Identifiers: MedGen C0950123, MeSH D030342.

Submission:

Ambry Genetics
Classification: Uncertain significance for Inborn genetic diseases. Last evaluated: 2024-12-16. Review status: criteria provided, single submitter. Criteria: Ambry Variant Classification Scheme 2023. Collection method: clinical testing. Allele origin: germline.
Comment: The p.G939R variant (also known as c.2815G>C), located in coding exon 14 of the FANCM gene, results from a G to C substitution at nucleotide position 2815. The glycine at codon 939 is replaced by arginine, an amino acid with dissimilar properties. This amino acid position is conserved. In addition, this alteration is predicted to be tolerated by in silico analysis. Based on the available evidence, the clinical significance of this variant remains unclear.

NM_020937.4(FANCM):c.2815G>C (p.Gly939Arg)

Gene: FANCM (FA complementation group M; plus strand). Cytogenetic location: 14q21.2.
Variant type: single nucleotide variant.
Coding change: c.2815G>C on transcript NM_020937.4 (MANE Select); coding-DNA position 2815, G replaced by C.
Protein change: p.Gly939Arg; replaces glycine 939 with arginine.
Molecular consequence: missense variant.
Genome position (GRCh38, 1-based): chr14:45,175,569, G>C. VCF-style: chr14-45175569-G-C. GRCh37 (hg19) VCF-style: chr14-45644772-G-C.
Other names: c.2737G>C, p.Gly913Arg (NM_001308133.2); short protein forms G913R, G939R.
Identifiers: ClinVar variation 3848507 (VCV003848507.1).